The following is an entry in ClinVar:

NM_016356.5(DCDC2):c.892_896del (p.Lys298fs)

Gene: DCDC2 (doublecortin domain containing 2; minus strand). Cytogenetic location: 6p22.3.
Variant type: Deletion.
Coding change: c.892_896del on transcript NM_016356.5 (MANE Select); coding-DNA positions 892 to 896, 5 bases deleted (AAGAA; older notation c.892_896delAAGAA).
Protein change: p.Lys298fs; shifts the reading frame from lysine 298.
Molecular consequence: frameshift variant.
Genome position (GRCh38, 1-based): chr6:24,278,075-24,278,079, TTCTT deleted on the plus strand (AAGAA on the coding strand, the reverse complement: DCDC2 is on the minus strand); deleting any 5 consecutive bases within chr6:24,278,075-24,278,080 gives the same sequence; the c. name uses the placement nearest the transcript's 3' end. VCF-style (leftmost placement, unchanged base first): chr6-24278074-ATTCTT-A. GRCh37 (hg19) VCF-style: chr6-24278302-ATTCTT-A.
Other names: c.892_896del, p.Lys298fs (NM_001195610.2); short protein forms K298fs.
Identifiers: ClinVar variation 4886940 (VCV004886940.1).

ClinVar aggregate classification (germline): Likely pathogenic (1 of 4 stars; one submission).

Conditions:
Isolated neonatal sclerosing cholangitis (NSC). Also called: Sclerosing cholangitis, neonatal. Identifiers: Orphanet 480556, MedGen C4479344, MONDO:0018816, OMIM 617394.

Submission:

Molecular Genetics Laboratory, CHU Lille
Classification: Likely pathogenic for Isolated neonatal sclerosing cholangitis. Last evaluated: 2026-08-19. Review status: criteria provided, single submitter. Criteria: ACMG Guidelines, 2015. Collection method: clinical testing. Allele origin: germline. Affected: yes.
Comment: This variant creates a premature translational stop signal (p.Lys298PhefsTer8), likely leading to an absent or disrupted protein product. Furthermore, it is present in population databases at an extremely low frequency (heterozygous allele only). In summary, this variant meets the criteria to be classified as likely pathogenic based on the applied ACMG/AMP guidelines (PVS1, PM2).